The following is an entry in ClinVar:

NM_000135.4(FANCA):c.2151+7_2151+8delinsTC

Gene: FANCA (FA complementation group A; minus strand). Cytogenetic location: 16q24.3.
Variant type: Indel.
Coding change: c.2151+7_2151+8delinsTC on transcript NM_000135.4 (MANE Select); bases 7 to 8 of the intron after coding-DNA position 2151, GT replaced by TC.
Molecular consequence: intron variant.
Genome position (GRCh38, 1-based): chr16:89,771,670-89,771,671, AC replaced by GA on the plus strand (GT replaced by TC on the coding strand, the reverse complement: FANCA is on the minus strand). VCF-style: chr16-89771670-AC-GA. GRCh37 (hg19) VCF-style: chr16-89838078-AC-GA.
Other names: c.2151+7_2151+8delinsTC (NM_001286167.3).
Identifiers: ClinVar variation 2888689 (VCV002888689.3), dbSNP rs2544202414, ClinGen allele CA2739266966.
Genomic context (GRCh38, chr16:89,771,670, plus strand): 5'-CGTCTAATGCCTCTGCCTAATGGAAAATGGTGAAGACCCCCTGCTTTGTTCTGAGCCCCT[AC>GA]ACCTACCATGTGTTCCCGTGGCTCCAGTCTCGGCGTGTTGATGCTGAGCTGAATCTTTGA-3'

ClinVar aggregate classification (germline): Uncertain significance (1 of 4 stars; one submission).

Conditions:
Fanconi anemia (FA). Also called: Fanconi's anemia. Identifiers: Orphanet 84, MedGen C0015625, MeSH D005199, MONDO:0019391.

Submission:

Labcorp Genetics (formerly Invitae), Labcorp
Classification: Uncertain significance for Fanconi anemia. Last evaluated: 2023-10-05. Review status: criteria provided, single submitter. Criteria: Invitae Variant Classification Sherloc (09022015). Collection method: clinical testing. Allele origin: germline.
Comment: This sequence change falls in intron 23 of the FANCA gene. It does not directly change the encoded amino acid sequence of the FANCA protein. Information on the frequency of this variant in the gnomAD database is not available, as this variant may be reported differently in the database. This variant has not been reported in the literature in individuals affected with FANCA-related conditions. Experimental studies and prediction algorithms are not available or were not evaluated, and the effect of this variant on mRNA splicing is currently unknown. In summary, the available evidence is currently insufficient to determine the role of this variant in disease. Therefore, it has been classified as a Variant of Uncertain Significance.